The following is an entry in ClinVar:

NM_182746.3(MCM4):c.2462A>G (p.Gln821Arg)

Gene: MCM4 (minichromosome maintenance complex component 4; plus strand). Cytogenetic location: 8q11.21.
Variant type: single nucleotide variant.
Coding change: c.2462A>G on transcript NM_182746.3 (MANE Select); coding-DNA position 2462, A replaced by G.
Protein change: p.Gln821Arg; replaces glutamine 821 with arginine.
Molecular consequence: missense variant.
Genome position (GRCh38, 1-based): chr8:47,975,811, A>G. VCF-style: chr8-47975811-A-G. GRCh37 (hg19) VCF-style: chr8-48888371-A-G.
Other names: c.2462A>G, p.Gln821Arg (NM_005914.4); short protein forms Q821R.
Identifiers: ClinVar variation 2781459 (VCV002781459.3), dbSNP rs765097000, ClinGen allele CA4742917.

ClinVar aggregate classification (germline): Uncertain significance (1 of 4 stars; one submission).

Allele frequency attached by ClinVar (database versions not stated): gnomAD 0.00001; TOPMed 0.00001.
gnomAD v4.1: 2 of 1,585,546 alleles (0.00013%); highest among the groups gnomAD compares: Non-Finnish European, 0.00017%; no homozygotes.

Submission:

Labcorp Genetics (formerly Invitae), Labcorp
Classification: Uncertain significance. Last evaluated: 2023-10-16. Review status: criteria provided, single submitter. Criteria: Invitae Variant Classification Sherloc (09022015). Collection method: clinical testing. Allele origin: germline.
Comment: This sequence change replaces glutamine, which is neutral and polar, with arginine, which is basic and polar, at codon 821 of the MCM4 protein (p.Gln821Arg). This variant is not present in population databases (gnomAD no frequency). This variant has not been reported in the literature in individuals affected with MCM4-related conditions. Advanced modeling of protein sequence and biophysical properties (such as structural, functional, and spatial information, amino acid conservation, physicochemical variation, residue mobility, and thermodynamic stability) performed at Invitae indicates that this missense variant is not expected to disrupt MCM4 protein function. In summary, the available evidence is currently insufficient to determine the role of this variant in disease. Therefore, it has been classified as a Variant of Uncertain Significance.